The following is an entry in ClinVar:

NM_001267550.2(TTN):c.80586C>T (p.Ser26862=)

Genes: TTN-AS1 (TTN antisense RNA 1; plus strand), TTN (titin; minus strand). Cytogenetic location: 2q31.2.
Variant type: single nucleotide variant.
Coding change: c.80586C>T on transcript NM_001267550.2 (MANE Select); coding-DNA position 80586, C replaced by T.
Protein change: p.Ser26862=; no amino-acid change (serine 26862 retained).
Molecular consequence: synonymous variant.
Genome position (GRCh38, 1-based): chr2:178,565,546, G>A on the plus strand (C>T on the coding strand, the complement: TTN is on the minus strand). VCF-style: chr2-178565546-G-A. GRCh37 (hg19) VCF-style: chr2-179430273-G-A.
Other names: c.75663C>T, p.Ser25221= (NM_001256850.1); c.53391C>T, p.Ser17797= (NM_003319.4); c.72882C>T, p.Ser24294= (NM_133378.4); c.53766C>T, p.Ser17922= (NM_133432.3); c.53967C>T, p.Ser17989= (NM_133437.4).
Identifiers: ClinVar variation 332766 (VCV000332766.34), dbSNP rs748292845, ClinGen allele CA1989326.

ClinVar aggregate classification (germline): Conflicting classifications of pathogenicity. Review status: criteria provided, conflicting classifications (1 of 4 stars). 10 submissions from 6 submitters: Uncertain significance (4); Benign (1); Likely benign (5). Last evaluated 2026-01-07.

Conditions:
Autosomal recessive limb-girdle muscular dystrophy type 2J (LGMDR10). Also called: Limb-girdle muscular dystrophy, type 2J; MUSCULAR DYSTROPHY, LIMB-GIRDLE, AUTOSOMAL RECESSIVE 10. Identifiers: Orphanet 140922, MedGen C1837342, MONDO:0012127, OMIM 608807.
Cardiovascular phenotype. Identifiers: MedGen CN230736.
Dilated cardiomyopathy 1G (CMD1G). Identifiers: Orphanet 154, MedGen C1858763, MONDO:0011400, OMIM 604145.
Early-onset myopathy with fatal cardiomyopathy (CMYO5). Also called: Salih Myopathy; CONGENITAL MYOPATHY 5 WITH CARDIOMYOPATHY. Identifiers: Orphanet 289377, MedGen C2673677, MONDO:0012714, OMIM 611705. Disease mechanism: loss of function.
Myopathy, myofibrillar, 9, with early respiratory failure (MFM9). Also called: Hereditary myopathy with early respiratory failure; Myopathy, distal, with early respiratory failure, autosomal dominant; EDSTROM MYOPATHY; MYOPATHY, PROXIMAL, WITH EARLY RESPIRATORY MUSCLE INVOLVEMENT. Identifiers: Orphanet 178464, Orphanet 34521, MedGen C1863599, MONDO:0011362, OMIM 603689.
Tibial muscular dystrophy (TMD). Also called: Tibial muscular dystrophy, tardive; UDD MYOPATHY; Udd Distal Myopathy – Tibial Muscular Dystrophy. Identifiers: Orphanet 609, MedGen C1838244, MONDO:0010870, OMIM 600334.

Allele frequency attached by ClinVar (database versions not stated): TOPMed 0.00002; gnomAD 0.00004 and 0.00005; gnomAD exomes 0.00005; ExAC 0.00006.
gnomAD v4.1: 36 of 1,613,546 alleles (0.0022%); highest among the groups gnomAD compares: Middle Eastern, 0.017%; no homozygotes.

Submissions (10):

Labcorp Genetics (formerly Invitae), Labcorp
Classification: Likely benign for Dilated cardiomyopathy 1G; Autosomal recessive limb-girdle muscular dystrophy type 2J. Last evaluated: 2026-01-07. Review status: criteria provided, single submitter. Criteria: Invitae Variant Classification Sherloc (09022015). Collection method: clinical testing. Allele origin: germline.

Blueprint Genetics
Classification: Likely benign. Last evaluated: 2024-04-18. Review status: criteria provided, single submitter. Criteria: ACMG Guidelines, 2015. Collection method: clinical testing. Allele origin: germline.

Ambry Genetics
Classification: Likely benign for Cardiovascular phenotype. Last evaluated: 2020-11-27. Review status: criteria provided, single submitter. Criteria: Ambry Variant Classification Scheme 2023. Collection method: clinical testing. Allele origin: germline.

Illumina Laboratory Services, Illumina
Classification: Uncertain significance for Dilated cardiomyopathy 1G. Last evaluated: 2018-01-13. Review status: criteria provided, single submitter. Criteria: ICSL Variant Classification Criteria 13 December 2019. Collection method: clinical testing. Allele origin: germline.

Illumina Laboratory Services, Illumina
Classification: Likely benign for Tibial muscular dystrophy. Last evaluated: 2018-01-13. Review status: criteria provided, single submitter. Criteria: ICSL Variant Classification Criteria 13 December 2019. Collection method: clinical testing. Allele origin: germline.
Comment: This variant was observed in the ICSL laboratory as part of a predisposition screen in an ostensibly healthy population. It had not been previously curated by ICSL or reported in the Human Gene Mutation Database (HGMD: prior to June 1st, 2018), and was therefore a candidate for classification through an automated scoring system. Utilizing variant allele frequency, disease prevalence and penetrance estimates, and inheritance mode, an automated score was calculated to assess if this variant is too frequent to cause the disease. Based on the score and internal cut-off values, a variant classified as likely benign is not then subjected to further curation. The score for this variant resulted in a classification of likely benign for this disease.

Illumina Laboratory Services, Illumina
Classification: Uncertain significance for Early-onset myopathy with fatal cardiomyopathy. Last evaluated: 2018-01-13. Review status: criteria provided, single submitter. Criteria: ICSL Variant Classification Criteria 13 December 2019. Collection method: clinical testing. Allele origin: germline.

Illumina Laboratory Services, Illumina
Classification: Uncertain significance for Autosomal recessive limb-girdle muscular dystrophy type 2J. Last evaluated: 2018-01-13. Review status: criteria provided, single submitter. Criteria: ICSL Variant Classification Criteria 13 December 2019. Collection method: clinical testing. Allele origin: germline.

Illumina Laboratory Services, Illumina
Classification: Likely benign for Myopathy, myofibrillar, 9, with early respiratory failure. Last evaluated: 2018-01-13. Review status: criteria provided, single submitter. Criteria: ICSL Variant Classification Criteria 13 December 2019. Collection method: clinical testing. Allele origin: germline.
Comment: the same text as in the submission from Illumina Laboratory Services, Illumina above.

Eurofins Ntd Llc (ga)
Classification: Uncertain significance. Last evaluated: 2017-06-06. Review status: criteria provided, single submitter. Criteria: EGL Classification Definitions 2015. Collection method: clinical testing. Allele origin: germline. Observed: 1 variant allele, 1 heterozygote.

GeneDx
Classification: Benign. Last evaluated: 2016-09-08. Review status: criteria provided, single submitter. Criteria: GeneDx Variant Classification (06012015). Collection method: clinical testing. Allele origin: germline. Affected: yes.
Comment: This variant is considered likely benign or benign based on one or more of the following criteria: it is a conservative change, it occurs at a poorly conserved position in the protein, it is predicted to be benign by multiple in silico algorithms, and/or has population frequency not consistent with disease.